The following is an entry in ClinVar:

NM_001318734.2(KLC2):c.1649G>A (p.Arg550Gln)

Gene: KLC2 (kinesin light chain 2; plus strand). Cytogenetic location: 11q13.2.
Variant type: single nucleotide variant.
Coding change: c.1649G>A on transcript NM_001318734.2 (MANE Select); coding-DNA position 1649, G replaced by A.
Protein change: p.Arg550Gln; replaces arginine 550 with glutamine.
Molecular consequence: missense variant.
Genome position (GRCh38, 1-based): chr11:66,266,139, G>A. VCF-style: chr11-66266139-G-A. GRCh37 (hg19) VCF-style: chr11-66033610-G-A.
Other names: c.1418G>A, p.Arg473Gln (NM_001134774.2); c.1649G>A, p.Arg550Gln (NM_001134775.2, NM_001134776.2, NM_022822.3); short protein forms R473Q, R550Q.
Identifiers: ClinVar variation 4699368 (VCV004699368.1).

ClinVar aggregate classification (germline): Uncertain significance (1 of 4 stars; one submission).

gnomAD v4.1: 2 of 1,613,882 alleles (0.00012%); highest among the groups gnomAD compares: Non-Finnish European, 0.00017%; no homozygotes.

Submission:

Labcorp Genetics (formerly Invitae), Labcorp
Classification: Uncertain significance. Last evaluated: 2025-06-02. Review status: criteria provided, single submitter. Criteria: Invitae Variant Classification Sherloc (09022015). Collection method: clinical testing. Allele origin: germline.
Comment: This sequence change replaces arginine, which is basic and polar, with glutamine, which is neutral and polar, at codon 550 of the KLC2 protein (p.Arg550Gln). This variant is not present in population databases (gnomAD no frequency). This variant has not been reported in the literature in individuals affected with KLC2-related conditions. An algorithm developed to predict the effect of missense changes on protein structure and function (PolyPhen-2) suggests that this variant is likely to be disruptive. In summary, the available evidence is currently insufficient to determine the role of this variant in disease. Therefore, it has been classified as a Variant of Uncertain Significance.